The following is an entry in ClinVar:

NM_004260.4(RECQL4):c.2507G>A (p.Ser836Asn)

Gene: RECQL4 (RecQ like helicase 4; minus strand). Cytogenetic location: 8q24.3.
Variant type: single nucleotide variant.
Coding change: c.2507G>A on transcript NM_004260.4 (MANE Select); coding-DNA position 2507, G replaced by A.
Protein change: p.Ser836Asn; replaces serine 836 with asparagine.
Molecular consequence: missense variant.
Genome position (GRCh38, 1-based): chr8:144,513,095, C>T on the plus strand (G>A on the coding strand, the complement: RECQL4 is on the minus strand). VCF-style: chr8-144513095-C-T. GRCh37 (hg19) VCF-style: chr8-145738478-C-T.
Other names: short protein forms S836N.
Identifiers: ClinVar variation 941777 (VCV000941777.5), dbSNP rs1827562066, ClinGen allele CA372677351.
Genomic context (GRCh38, chr8:144,513,095, plus strand): 5'-GTGCAGGTGCAGGCTGGGAACACGCGCTGTACCAGCCTCTTCACAGCCAGGAAGTCCGTG[C>T]TGTCGGCGTGCACATGTCTGCGCAGCTCTCGCAGGTCTTCGCCCTGCAGGGCAACTTTCA-3'
Protein context (NP_004251.4, residues 826-846): RELRRHVHAD[Ser836Asn]TDFLAVKRLV

ClinVar aggregate classification (germline): Uncertain significance (1 of 4 stars; one submission).

Conditions:
Baller-Gerold syndrome (BGS). Also called: CRANIOSYNOSTOSIS WITH RADIAL DEFECTS. Identifiers: Orphanet 1225, MedGen C0265308, MONDO:0009039, OMIM 218600.

gnomAD v4.1: 1 of 1,573,468 alleles (0.000064%); highest among the groups gnomAD compares: Non-Finnish European, 0.000086%; no homozygotes.

Submission:

Labcorp Genetics (formerly Invitae), Labcorp
Classification: Uncertain significance for Baller-Gerold syndrome. Last evaluated: 2019-10-18. Review status: criteria provided, single submitter. Criteria: Invitae Variant Classification Sherloc (09022015). Collection method: clinical testing. Allele origin: germline.
Comment: In summary, the available evidence is currently insufficient to determine the role of this variant in disease. Therefore, it has been classified as a Variant of Uncertain Significance. Algorithms developed to predict the effect of missense changes on protein structure and function (SIFT, PolyPhen-2, Align-GVGD) all suggest that this variant is likely to be tolerated, but these predictions have not been confirmed by published functional studies and their clinical significance is uncertain. This variant has not been reported in the literature in individuals with RECQL4-related conditions. This variant is not present in population databases (ExAC no frequency). This sequence change replaces serine with asparagine at codon 836 of the RECQL4 protein (p.Ser836Asn). The serine residue is weakly conserved and there is a small physicochemical difference between serine and asparagine.